The following is an entry in ClinVar:

NM_006073.4(TRDN):c.2134C>T (p.Pro712Ser)

Gene: TRDN (triadin; minus strand). Cytogenetic location: 6q22.31.
Variant type: single nucleotide variant.
Coding change: c.2134C>T on transcript NM_006073.4 (MANE Select); coding-DNA position 2134, C replaced by T.
Protein change: p.Pro712Ser; replaces proline 712 with serine.
Molecular consequence: missense variant.
Genome position (GRCh38, 1-based): chr6:123,218,657, G>A on the plus strand (C>T on the coding strand, the complement: TRDN is on the minus strand). VCF-style: chr6-123218657-G-A. GRCh37 (hg19) VCF-style: chr6-123539802-G-A.
Other names: short protein forms P712S.
Identifiers: ClinVar variation 1786453 (VCV001786453.2), dbSNP rs1775027969, ClinGen allele CA365564502.
Genomic context (GRCh38, chr6:123,218,657, plus strand): 5'-GTGTTTACTGTCCTTGTTGCTTCTGTCCTGGAGAATTTGCTTGACCAGAGCTCTCTCCAG[G>A]GCGGTCTGCAGGAGTGAAAGGAAACTGAAATCCATAGCCATTGTACCCATCCAAGTAGAC-3'
Protein context (NP_006064.2, residues 702-722): FQFPFTPADR[Pro712Ser]GESSGQANSP

ClinVar aggregate classification (germline): Uncertain significance (1 of 4 stars; one submission).

Conditions:
Cardiovascular phenotype. Identifiers: MedGen CN230736.

Allele frequency attached by ClinVar (database versions not stated): gnomAD exomes below 0.00001.
gnomAD v4.1: 1 of 1,610,808 alleles (0.000062%); highest among the groups gnomAD compares: African/African-American, 0.0013%; no homozygotes.

Submission:

Ambry Genetics
Classification: Uncertain significance for Cardiovascular phenotype. Last evaluated: 2021-12-22. Review status: criteria provided, single submitter. Criteria: Ambry Variant Classification Scheme 2023. Collection method: clinical testing. Allele origin: germline.
Comment: The p.P712S variant (also known as c.2134C>T), located in coding exon 41 of the TRDN gene, results from a C to T substitution at nucleotide position 2134. The proline at codon 712 is replaced by serine, an amino acid with similar properties. This amino acid position is highly conserved in available vertebrate species. In addition, this alteration is predicted to be tolerated by in silico analysis. Since supporting evidence is limited at this time, the clinical significance of this alteration remains unclear.